The following is an entry in ClinVar:

ClinVar aggregate classification (germline): Uncertain significance (1 of 4 stars; one submission).

gnomAD v4.1: 2 of 1,591,182 alleles (0.00013%); highest among the groups gnomAD compares: Non-Finnish European, 0.00017%; no homozygotes.

Submission:

Labcorp Genetics (formerly Invitae), Labcorp
Classification: Uncertain significance. Last evaluated: 2025-07-29. Review status: criteria provided, single submitter. Criteria: Invitae Variant Classification Sherloc (09022015). Collection method: clinical testing. Allele origin: germline.
Comment: This sequence change replaces leucine, which is neutral and non-polar, with phenylalanine, which is neutral and non-polar, at codon 2477 of the SRCAP protein (p.Leu2477Phe). This variant is not present in population databases (gnomAD no frequency). This variant has not been reported in the literature in individuals affected with SRCAP-related conditions. Invitae Evidence Modeling of protein sequence and biophysical properties (such as structural, functional, and spatial information, amino acid conservation, physicochemical variation, residue mobility, and thermodynamic stability) indicates that this missense variant is not expected to disrupt SRCAP protein function with a negative predictive value of 80%. In summary, the available evidence is currently insufficient to determine the role of this variant in disease. Therefore, it has been classified as a Variant of Uncertain Significance.

NM_006662.3(SRCAP):c.7429C>T (p.Leu2477Phe)

Gene: SRCAP (Snf2 related CREBBP activator protein; plus strand). Cytogenetic location: 16p11.2.
Variant type: single nucleotide variant.
Coding change: c.7429C>T on transcript NM_006662.3 (MANE Select); coding-DNA position 7429, C replaced by T.
Protein change: p.Leu2477Phe; replaces leucine 2477 with phenylalanine.
Molecular consequence: missense variant.
Genome position (GRCh38, 1-based): chr16:30,737,469, C>T. VCF-style: chr16-30737469-C-T. GRCh37 (hg19) VCF-style: chr16-30748790-C-T.
Other names: short protein forms L2477F.
Identifiers: ClinVar variation 4765948 (VCV004765948.1).
Genomic context (GRCh38, chr16:30,737,469, plus strand): 5'-CTTGTTCCTGTCCCAGTTTCTGCCCCAGTACCCATTTCAGCCCCAAATCCAATAACCATT[C>T]TCCCTGTCCATATCTTGCCTTCTCCTCCCCCTCCTTCACAGATTCCTCCTTGTTCTTCTC-3'
Protein context (NP_006653.2, residues 2467-2487): PISAPNPITI[Leu2477Phe]PVHILPSPPP